The following is an entry in ClinVar:

NM_000090.4(COL3A1):c.2212G>C (p.Gly738Arg)

Gene: COL3A1 (collagen type III alpha 1 chain; plus strand). Cytogenetic location: 2q32.2.
Variant type: single nucleotide variant.
Coding change: c.2212G>C on transcript NM_000090.4 (MANE Select); coding-DNA position 2212, G replaced by C.
Protein change: p.Gly738Arg; replaces glycine 738 with arginine.
Molecular consequence: missense variant.
Genome position (GRCh38, 1-based): chr2:188,999,560, G>C. VCF-style: chr2-188999560-G-C. GRCh37 (hg19) VCF-style: chr2-189864286-G-C.
Other names: short protein forms G738R.
Identifiers: ClinVar variation 1787788 (VCV001787788.3), dbSNP rs121912925, ClinGen allele CA349840914.

ClinVar aggregate classification (germline): Likely pathogenic (1 of 4 stars; one submission).

Conditions:
Familial thoracic aortic aneurysm and aortic dissection (TAAD). Also called: Thoracic aortic aneurysms and dissections. Identifiers: Orphanet 91387, MedGen C4707243, MONDO:0019625.

Submission:

Ambry Genetics
Classification: Likely pathogenic for Familial thoracic aortic aneurysm and aortic dissection. Last evaluated: 2023-04-27. Review status: criteria provided, single submitter. Criteria: Ambry Variant Classification Scheme 2023. Collection method: clinical testing. Allele origin: germline.
Comment: The p.G738R variant (also known as c.2212G>C), located in coding exon 31 of the COL3A1 gene, results from a G to C substitution at nucleotide position 2212. The glycine at codon 738 is replaced by arginine, an amino acid with dissimilar properties. The majority (approximately two-thirds) of COL3A1 mutations identified to date have involved the substitution of another amino acid for glycine within the triple-helical domain (Pepin MG et al. Genet Med. 2014;16(12):881-8; Frank M et al. Eur J Hum Genet. 2015;23(12):1657-64). This particular alteration has been observed in at least one individual with a personal and/or family history that is consistent with COL3A1-related disease (Ambry internal data). Internal structural analysis indicates that this alteration disrupts the characteristic G-X-Y motif in the COL3A1 protein and inserts a bulky side chain into a sterically-constrained region (Bella J et al. Science. 1994;266:75-81; Hohenester E et al. Proc. Natl. Acad. Sci. U.S.A. 2008;105:18273-7; Ambry internal data). This variant is considered to be rare based on population cohorts in the Genome Aggregation Database (gnomAD). This amino acid position is highly conserved in available vertebrate species. In addition, this alteration is predicted to be deleterious by in silico analysis. Based on the majority of available evidence to date, this variant is likely to be pathogenic.